The following is an entry in ClinVar:

ClinVar aggregate classification (germline): Benign/Likely benign. Review status: criteria provided, multiple submitters, no conflicts (2 of 4 stars). 15 submissions from 15 submitters: Benign (8); Likely benign (3). 4 of the submissions do not count toward it. Last evaluated 2026-08-01.

Conditions:
Agenesis of the corpus callosum with peripheral neuropathy (ACCPN). Also called: POLYNEUROPATHY, SENSORIMOTOR, WITH OR WITHOUT AGENESIS OF THE CORPUS CALLOSUM; CHARLEVOIX DISEASE; Hereditary Motor and Sensory Neuropathy with Agenesis of the Corpus Callosum; HMSN/ACC. Identifiers: Orphanet 1496, MedGen C0795950, MONDO:0000902, OMIM 218000. Disease mechanism: loss of function.

Allele frequency attached by ClinVar (database versions not stated): 1000 Genomes Project 30x 0.00281; 1000 Genomes Project 0.00300; TOPMed 0.00530; gnomAD 0.00534 and 0.00537; gnomAD exomes 0.00584 and 0.00864; ExAC 0.00602; ESP Exome Variant Server 0.00639.
gnomAD v4.1: 13,462 of 1,610,528 alleles (0.84%); highest among the groups gnomAD compares: Non-Finnish European, 1%; 57 homozygotes.

Submissions (15):

CeGaT Center for Human Genetics Tuebingen
Classification: Benign. Last evaluated: 2026-08-01. Review status: criteria provided, single submitter. Criteria: CeGaT Center For Human Genetics Tuebingen Variant Classification Criteria Version 2. Collection method: clinical testing. Allele origin: germline. Affected: yes. Observed: 37 variant alleles.
Comment: SLC12A6: BP4, BS1, BS2

Labcorp Genetics (formerly Invitae), Labcorp
Classification: Benign. Last evaluated: 2026-02-04. Review status: criteria provided, single submitter. Criteria: Invitae Variant Classification Sherloc (09022015). Collection method: clinical testing. Allele origin: germline.

ARUP Laboratories, Molecular Genetics and Genomics, ARUP Laboratories
Classification: Benign. Last evaluated: 2024-10-16. Review status: criteria provided, single submitter. Criteria: ARUP Molecular Germline Variant Investigation Process 2024. Collection method: clinical testing. Allele origin: germline.

Genome-Nilou Lab
Classification: Benign for Agenesis of the corpus callosum with peripheral neuropathy. Last evaluated: 2021-07-15. Review status: criteria provided, single submitter. Criteria: ACMG Guidelines, 2015. Collection method: clinical testing. Allele origin: germline. Affected: no.

Pars Genome Lab
Classification: Benign for Agenesis of the corpus callosum with peripheral neuropathy. Last evaluated: 2021-05-18. Review status: criteria provided, single submitter. Criteria: ACMG Guidelines, 2015. Collection method: clinical testing. Allele origin: germline. Affected: no.

Illumina Laboratory Services, Illumina
Classification: Likely benign for Agenesis of the corpus callosum with peripheral neuropathy. Last evaluated: 2018-01-12. Review status: criteria provided, single submitter. Criteria: ICSL Variant Classification Criteria 13 December 2019. Collection method: clinical testing. Allele origin: germline.
Comment: This variant was observed in the ICSL laboratory as part of a predisposition screen in an ostensibly healthy population. It had not been previously curated by ICSL or reported in the Human Gene Mutation Database (HGMD: prior to June 1st, 2018), and was therefore a candidate for classification through an automated scoring system. Utilizing variant allele frequency, disease prevalence and penetrance estimates, and inheritance mode, an automated score was calculated to assess if this variant is too frequent to cause the disease. Based on the score and internal cut-off values, a variant classified as likely benign is not then subjected to further curation. The score for this variant resulted in a classification of likely benign for this disease.

GeneDx
Classification: Benign. Last evaluated: 2016-09-29. Review status: criteria provided, single submitter. Criteria: GeneDx Variant Classification (06012015). Collection method: clinical testing. Allele origin: germline. Affected: yes.
Comment: This variant is considered likely benign or benign based on one or more of the following criteria: it is a conservative change, it occurs at a poorly conserved position in the protein, it is predicted to be benign by multiple in silico algorithms, and/or has population frequency not consistent with disease.

Mayo Clinic Laboratories, Mayo Clinic
Classification: Benign. Last evaluated: 2016-08-25. Review status: criteria provided, single submitter. Criteria: ACMG Guidelines, 2015. Collection method: clinical testing. Allele origin: germline. Observed: 37 variant alleles.

Center for Pediatric Genomic Medicine, Children's Mercy Hospital and Clinics
Classification: Likely benign. Last evaluated: 2016-05-23. Review status: criteria provided, single submitter. Criteria: ACMG Guidelines, 2015. Collection method: clinical testing. Allele origin: germline.
ClinVar note: Converted during submission from Likely Benign to Likely benign.

Eurofins Ntd Llc (ga)
Classification: Benign. Last evaluated: 2015-10-28. Review status: criteria provided, single submitter. Criteria: EGL Classification Definitions 2015. Collection method: clinical testing. Allele origin: germline. Observed: 1 variant allele, 1 heterozygote.

Breakthrough Genomics
Classification: Likely benign. Review status: criteria provided, single submitter. Criteria: ACMG Guidelines, 2015. Collection method: not provided. Allele origin: germline. Inheritance: Autosomal recessive inheritance. Affected: yes.

Natera, Inc.
Classification: Likely benign for Andermann syndrome. Last evaluated: 2020-04-18. Review status: no assertion criteria provided. Collection method: clinical testing. Allele origin: germline. Not counted in ClinVar's aggregate classification.

Clinical Genetics DNA and cytogenetics Diagnostics Lab, Erasmus MC, Erasmus Medical Center
Classification: Likely benign. Review status: no assertion criteria provided. Collection method: clinical testing. Allele origin: germline. Affected: yes. Study: VKGL Data-share Consensus. Not counted in ClinVar's aggregate classification.

Clinical Genetics, Academic Medical Center
Classification: Likely benign. Review status: no assertion criteria provided. Collection method: clinical testing. Allele origin: germline. Affected: yes. Study: VKGL Data-share Consensus. Not counted in ClinVar's aggregate classification.

Genome Diagnostics Laboratory, University Medical Center Utrecht
Classification: Likely benign. Review status: no assertion criteria provided. Collection method: clinical testing. Allele origin: germline. Affected: yes. Study: VKGL Data-share Consensus. Not counted in ClinVar's aggregate classification.

NM_001365088.1(SLC12A6):c.1412G>C (p.Ser471Thr)

Gene: SLC12A6 (solute carrier family 12 member 6; minus strand). Cytogenetic location: 15q14.
Variant type: single nucleotide variant.
Coding change: c.1412G>C on transcript NM_001365088.1 (MANE Select); coding-DNA position 1412, G replaced by C.
Protein change: p.Ser471Thr; replaces serine 471 with threonine.
Molecular consequence: missense variant.
Genome position (GRCh38, 1-based): chr15:34,250,979, C>G on the plus strand (G>C on the coding strand, the complement: SLC12A6 is on the minus strand). VCF-style: chr15-34250979-C-G. GRCh37 (hg19) VCF-style: chr15-34543180-C-G.
Other names: c.1235G>C, p.Ser412Thr (NM_001042494.2, NM_001042495.2); c.1385G>C, p.Ser462Thr (NM_001042496.2); c.1367G>C, p.Ser456Thr (NM_001042497.2); c.1259G>C, p.Ser420Thr (NM_005135.2); c.1412G>C, p.Ser471Thr (NM_133647.2); short protein forms S471T, S420T, S412T, S456T, S462T.
Identifiers: ClinVar variation 284439 (VCV000284439.70), dbSNP rs140916001, ClinGen allele CA7464312.